The following is an entry in ClinVar:

NM_004119.3(FLT3):c.2971G>A (p.Glu991Lys)

Gene: FLT3 (fms related receptor tyrosine kinase 3; minus strand). Cytogenetic location: 13q12.2.
Variant type: single nucleotide variant.
Coding change: c.2971G>A on transcript NM_004119.3 (MANE Select); coding-DNA position 2971, G replaced by A.
Protein change: p.Glu991Lys; replaces glutamic acid 991 with lysine.
Molecular consequence: missense variant. On other transcripts: non-coding transcript variant (1).
Genome position (GRCh38, 1-based): chr13:28,004,063, C>T on the plus strand (G>A on the coding strand, the complement: FLT3 is on the minus strand). VCF-style: chr13-28004063-C-T. GRCh37 (hg19) VCF-style: chr13-28578200-C-T.
Other names: short protein forms E991K.
Identifiers: ClinVar variation 134442 (VCV000134442.1), dbSNP rs573326027, ClinGen allele CA159831.

ClinVar aggregate classification (germline): not provided (0 of 4 stars; one submission).

Allele frequency attached by ClinVar (database versions not stated): gnomAD 0.00001 and 0.00002; TOPMed 0.00001; gnomAD exomes 0.00006 and 0.00007; ExAC 0.00007.
gnomAD v4.1: 97 of 1,613,954 alleles (0.006%); highest among the groups gnomAD compares: South Asian, 0.046%; no homozygotes.

Submission:

ITMI
No classification provided. Condition: AllHighlyPenetrant. Last evaluated: 2013-09-19. Review status: no classification provided. Collection method: reference population. Allele origin: germline.
Comment: Please see associated publication for description of ethnicities

Literature cited by the submitters: PubMed 24728327.